The following is an entry in ClinVar:

NM_000701.8(ATP1A1):c.2944C>T (p.Pro982Ser)

Genes: ATP1A1 (ATPase Na+/K+ transporting subunit alpha 1; plus strand), ATP1A1-AS1 (ATP1A1 antisense RNA 1; minus strand). Cytogenetic location: 1p13.1.
Variant type: single nucleotide variant.
Coding change: c.2944C>T on transcript NM_000701.8 (MANE Select); coding-DNA position 2944, C replaced by T.
Protein change: p.Pro982Ser; replaces proline 982 with serine.
Molecular consequence: missense variant.
Genome position (GRCh38, 1-based): chr1:116,401,648, C>T. VCF-style: chr1-116401648-C-T. GRCh37 (hg19) VCF-style: chr1-116944270-C-T.
Other names: c.2944C>T, p.Pro982Ser (NM_001160233.2); c.2851C>T, p.Pro951Ser (NM_001160234.2); short protein forms P951S, P982S.
Identifiers: ClinVar variation 3772682 (VCV003772682.1).

ClinVar aggregate classification (germline): Uncertain significance (1 of 4 stars; one submission).

Conditions:
Calf muscle atrophy. Identifiers: MedGen C5883622.

Submission:

Clinical Genetics Laboratory, Skane University Hospital Lund
Classification: Uncertain significance for Calf muscle atrophy. Last evaluated: 2025-01-30. Review status: criteria provided, single submitter. Criteria: ACMG Guidelines, 2015. Collection method: clinical testing. Allele origin: germline. Affected: yes.
Comment: ACMG criteria used: PM2, PP3